The following is an entry in ClinVar:

NM_006648.4(WNK2):c.5217C>G (p.Ser1739Arg)

Gene: WNK2 (WNK lysine deficient protein kinase 2; plus strand). Cytogenetic location: 9q22.31.
Variant type: single nucleotide variant.
Coding change: c.5217C>G on transcript NM_006648.4 (MANE Select); coding-DNA position 5217, C replaced by G.
Protein change: p.Ser1739Arg; replaces serine 1739 with arginine.
Molecular consequence: missense variant.
Genome position (GRCh38, 1-based): chr9:93,292,682, C>G. VCF-style: chr9-93292682-C-G. GRCh37 (hg19) VCF-style: chr9-96054964-C-G.
Other names: c.5328C>G, p.Ser1776Arg (NM_001282394.3); short protein forms S1776R, S1739R.
Identifiers: ClinVar variation 3470214 (VCV003470214.1).

ClinVar aggregate classification (germline): Uncertain significance (1 of 4 stars; one submission).

gnomAD v4.1: 142 of 1,573,438 alleles (0.009%); highest among the groups gnomAD compares: African/African-American, 0.15%; 1 homozygote.

Submission:

Ambry Genetics
Classification: Uncertain significance. Last evaluated: 2024-11-20. Review status: criteria provided, single submitter. Criteria: Ambry Variant Classification Scheme 2023. Collection method: clinical testing. Allele origin: germline.
Comment: The p.S1739R variant (also known as c.5217C>G), located in coding exon 22 of the WNK2 gene, results from a C to G substitution at nucleotide position 5217. The serine at codon 1739 is replaced by arginine, an amino acid with dissimilar properties. This amino acid position is conserved. In addition, this alteration is predicted to be tolerated by in silico analysis. Based on the available evidence, the clinical significance of this variant remains unclear.